The following is an entry in ClinVar:

ClinVar aggregate classification (germline): Benign (0 of 4 stars; one submission).

Conditions:
TREH-related disorder. Also called: TREH-related condition.

Allele frequency attached by ClinVar (database versions not stated): gnomAD 0.20267; 1000 Genomes Project 30x 0.21830; ESP Exome Variant Server 0.18347; TOPMed 0.19429; 1000 Genomes Project 0.22005; gnomAD exomes 0.22868; ExAC 0.24314.
gnomAD v4.1: 364,352 of 1,610,474 alleles (23%); highest among the groups gnomAD compares: South Asian, 34%; 42,605 homozygotes.

Submission:

PreventionGenetics, part of Exact Sciences
Classification: Benign for TREH-related condition. Last evaluated: 2019-10-21. Review status: no assertion criteria provided. Collection method: clinical testing. Allele origin: germline.
Comment: This variant is classified as benign based on ACMG/AMP sequence variant interpretation guidelines (Richards et al. 2015 PMID: 25741868, with internal and published modifications).

NM_007180.3(TREH):c.1623C>T (p.Gly541=)

Gene: TREH (trehalase; minus strand). Cytogenetic location: 11q23.3.
Variant type: single nucleotide variant.
Coding change: c.1623C>T on transcript NM_007180.3 (MANE Select); coding-DNA position 1623, C replaced by T.
Protein change: p.Gly541=; no amino-acid change (glycine 541 retained).
Molecular consequence: synonymous variant.
Genome position (GRCh38, 1-based): chr11:118,658,418, G>A on the plus strand (C>T on the coding strand, the complement: TREH is on the minus strand). VCF-style: chr11-118658418-G-A. GRCh37 (hg19) VCF-style: chr11-118529127-G-A.
Other names: c.1530C>T, p.Gly510= (NM_001301065.2).
Identifiers: ClinVar variation 3060997 (VCV003060997.2), dbSNP rs7928371, ClinGen allele CA6307693.